The following is an entry in ClinVar:

NM_015295.3(SMCHD1):c.5696G>A (p.Cys1899Tyr)

Gene: SMCHD1 (structural maintenance of chromosomes flexible hinge domain containing 1; plus strand). Cytogenetic location: 18p11.32.
Variant type: single nucleotide variant.
Coding change: c.5696G>A on transcript NM_015295.3 (MANE Select); coding-DNA position 5696, G replaced by A.
Protein change: p.Cys1899Tyr; replaces cysteine 1899 with tyrosine.
Molecular consequence: missense variant.
Genome position (GRCh38, 1-based): chr18:2,784,598, G>A. VCF-style: chr18-2784598-G-A. GRCh37 (hg19) VCF-style: chr18-2784596-G-A.
Other names: short protein forms C1899Y.
Identifiers: ClinVar variation 2000495 (VCV002000495.4), dbSNP rs2510168132, ClinGen allele CA401689041.

ClinVar aggregate classification (germline): Uncertain significance (1 of 4 stars; one submission).

Conditions:
Facioscapulohumeral muscular dystrophy 2 (FSHD2). Also called: MUSCULAR DYSTROPHY, FACIOSCAPULOHUMERAL, TYPE 1B; FACIOSCAPULOHUMERAL MUSCULAR DYSTROPHY 2, DIGENIC; FSHD2, DIGENIC. Identifiers: Orphanet 269, MedGen C1834671, MONDO:0008031, OMIM 158901.

Submission:

Labcorp Genetics (formerly Invitae), Labcorp
Classification: Uncertain significance for Facioscapulohumeral muscular dystrophy 2. Last evaluated: 2024-11-22. Review status: criteria provided, single submitter. Criteria: Invitae Variant Classification Sherloc (09022015). Collection method: clinical testing. Allele origin: germline.
Comment: This sequence change replaces cysteine, which is neutral and slightly polar, with tyrosine, which is neutral and polar, at codon 1899 of the SMCHD1 protein (p.Cys1899Tyr). This variant is not present in population databases (gnomAD no frequency). This variant has not been reported in the literature in individuals affected with SMCHD1-related conditions. ClinVar contains an entry for this variant (Variation ID: 2000495). Invitae Evidence Modeling of protein sequence and biophysical properties (such as structural, functional, and spatial information, amino acid conservation, physicochemical variation, residue mobility, and thermodynamic stability) indicates that this missense variant is not expected to disrupt SMCHD1 protein function with a negative predictive value of 80%. In summary, the available evidence is currently insufficient to determine the role of this variant in disease. Therefore, it has been classified as a Variant of Uncertain Significance.